The following is an entry in ClinVar:

NM_138691.3(TMC1):c.236+1G>T

Gene: TMC1 (transmembrane channel like 1; plus strand). Cytogenetic location: 9q21.13.
Variant type: single nucleotide variant.
Coding change: c.236+1G>T on transcript NM_138691.3 (MANE Select); the canonical splice donor site of the intron after coding-DNA position 236, G replaced by T.
Molecular consequence: splice donor variant.
Genome position (GRCh38, 1-based): chr9:72,694,715, G>T. VCF-style: chr9-72694715-G-T. GRCh37 (hg19) VCF-style: chr9-75309631-G-T.
Identifiers: ClinVar variation 1323692 (VCV001323692.5), dbSNP rs775428246, ClinGen allele CA5081625.

ClinVar aggregate classification (germline): Pathogenic. Review status: criteria provided, multiple submitters, no conflicts (2 of 4 stars). 2 submissions from 2 submitters: Pathogenic (2). Last evaluated 2025-05-15.

gnomAD v4.1: 5 of 1,604,822 alleles (0.00031%); highest among the groups gnomAD compares: South Asian, 0.0011%; no homozygotes.

Submissions (2):

GeneDx
Classification: Pathogenic. Last evaluated: 2025-05-15. Review status: criteria provided, single submitter. Criteria: GeneDx Variant Classification Process June 2021. Collection method: clinical testing. Allele origin: germline. Affected: yes.
Comment: Canonical splice site variant predicted to result in a null allele in a gene for which loss of function is a known mechanism of disease; Not observed at significant frequency in large population cohorts (gnomAD); Has not been previously published as pathogenic or benign to our knowledge

Revvity Omics, Revvity
Classification: Pathogenic. Last evaluated: 2020-06-03. Review status: criteria provided, single submitter. Criteria: ACMG Guidelines, 2015. Collection method: clinical testing. Allele origin: germline.